The following is an entry in ClinVar:

ClinVar aggregate classification (germline): Uncertain significance. Review status: criteria provided, multiple submitters, no conflicts (2 of 4 stars). 2 submissions from 2 submitters: Uncertain significance (2). Last evaluated 2024-08-19.

Conditions:
Primary ciliary dyskinesia 27. Also called: CILIARY DYSKINESIA, PRIMARY, 27, WITHOUT SITUS INVERSUS. Identifiers: Orphanet 244, MedGen C3809701, MONDO:0014215, OMIM 615504.
Inborn genetic diseases. Identifiers: MedGen C0950123, MeSH D030342.

Allele frequency attached by ClinVar (database versions not stated): ExAC 0.00002; gnomAD exomes 0.00003; gnomAD 0.00004 and 0.00005; TOPMed 0.00006; ESP Exome Variant Server 0.00008.
gnomAD v4.1: 46 of 1,613,800 alleles (0.0029%); highest among the groups gnomAD compares: Non-Finnish European, 0.0039%; no homozygotes.

Submissions (2):

Ambry Genetics
Classification: Uncertain significance for Inborn genetic diseases. Last evaluated: 2024-08-19. Review status: criteria provided, single submitter. Criteria: Ambry Variant Classification Scheme 2023. Collection method: clinical testing. Allele origin: germline.

Labcorp Genetics (formerly Invitae), Labcorp
Classification: Uncertain significance for Primary ciliary dyskinesia 27. Last evaluated: 2022-08-06. Review status: criteria provided, single submitter. Criteria: Invitae Variant Classification Sherloc (09022015). Collection method: clinical testing. Allele origin: germline.
Comment: This sequence change replaces threonine, which is neutral and polar, with alanine, which is neutral and non-polar, at codon 332 of the CCDC65 protein (p.Thr332Ala). The frequency data for this variant in the population databases is considered unreliable, as metrics indicate poor data quality at this position in the gnomAD database. This variant has not been reported in the literature in individuals affected with CCDC65-related conditions. ClinVar contains an entry for this variant (Variation ID: 643075). Algorithms developed to predict the effect of missense changes on protein structure and function output the following: SIFT: "Tolerated"; PolyPhen-2: "Benign"; Align-GVGD: "Class C0". The alanine amino acid residue is found in multiple mammalian species, which suggests that this missense change does not adversely affect protein function. In summary, the available evidence is currently insufficient to determine the role of this variant in disease. Therefore, it has been classified as a Variant of Uncertain Significance.

NM_033124.5(DRC2):c.994A>G (p.Thr332Ala)

Gene: DRC2 (dynein regulatory complex subunit 2; plus strand). Cytogenetic location: 12q13.12.
Variant type: single nucleotide variant.
Coding change: c.994A>G on transcript NM_033124.5 (MANE Select); coding-DNA position 994, A replaced by G.
Protein change: p.Thr332Ala; replaces threonine 332 with alanine.
Molecular consequence: missense variant.
Genome position (GRCh38, 1-based): chr12:48,918,871, A>G. VCF-style: chr12-48918871-A-G. GRCh37 (hg19) VCF-style: chr12-49312654-A-G.
Other names: c.565A>G, p.Thr189Ala (NM_001286957.2); short protein forms T189A, T332A.
Identifiers: ClinVar variation 643075 (VCV000643075.6), dbSNP rs145598728, ClinGen allele CA6543396.